The following is an entry in ClinVar:

ClinVar aggregate classification (germline): Likely pathogenic. Review status: criteria provided, single submitter (1 of 4 stars). 2 submissions from 2 submitters: Likely pathogenic (1). 1 of the submissions does not count toward it. Last evaluated 2025-01-10.

Conditions:
Shwachman-Diamond syndrome 2. Identifiers: MedGen C4693704, MONDO:0044205, OMIM 617941.
Shwachman syndrome. Also called: Shwachman-Diamond Syndrome; PANCREATIC INSUFFICIENCY AND BONE MARROW DYSFUNCTION; SHWACHMAN-BODIAN SYNDROME. Identifiers: Orphanet 811, MedGen C0272170, MONDO:0009833.

Allele frequency attached by ClinVar (database versions not stated): gnomAD exomes 0.00001; ExAC 0.00002; TOPMed 0.00002; gnomAD 0.00003 and 0.00004; ESP Exome Variant Server 0.00008.
gnomAD v4.1: 17 of 1,613,592 alleles (0.0011%); highest among the groups gnomAD compares: East Asian, 0.0022%; no homozygotes.

Submissions (2):

Broad Center for Mendelian Genomics, Broad Institute of MIT and Harvard
Classification: Likely pathogenic for Shwachman syndrome. Last evaluated: 2025-01-10. Review status: criteria provided, single submitter. Criteria: ACMG Guidelines, 2015. Collection method: curation. Allele origin: germline. Inheritance: Autosomal recessive inheritance.
Comment: The p.His30Arg variant in EFL1 has been reported, with varying levels of somatic uniparental disomy, in 2 individuals and with Shwachman-Diamond syndrome (PMID: 34115847), and has been identified in 0.003% (1/29590) of Ashkenazi Jewish chromosomes by the Genome Aggregation Database (gnomAD; dbSNP rs370108445). Although this variant has been seen in the general population in a heterozygous state, its frequency is low enough to be consistent with a recessive carrier frequency. This variant has also been reported in ClinVar (Variation ID: 1686819) and has been interpreted as pathogenic by OMIM. Of the 2 affected individuals, 1 was a compound heterozygote that carried a reported likely pathogenic variant in trans, which increases the likelihood that the p.His30Arg variant is pathogenic (Variation ID: 1686817, PMID: 34115847). In vitro functional studies provide some evidence that the p.His30Arg variant may impact protein function (Variation ID: 1686817). However, these types of assays may not accurately represent biological function. Computational prediction tools and conservation analyses suggest that this variant may impact the protein, though this information is not predictive enough to determine pathogenicity. Although additional studies are required to fully establish its clinical significance, this variant is likely pathogenic for autosomal recessive Shwachman-Diamond syndrome despite the moderate evidence for this gene-disease relationship. ACMG/AMP Criteria applied: PP3_moderate, PM3, PS3_moderate, PM2_supporting.

OMIM
Classification: Pathogenic for SHWACHMAN-DIAMOND SYNDROME 2. Last evaluated: 2022-04-18. Review status: no assertion criteria provided. Collection method: literature only. Allele origin: germline. Not counted in ClinVar's aggregate classification.

Literature cited by the submitters: PubMed 34115847 (cited by OMIM).

NM_024580.6(EFL1):c.89A>G (p.His30Arg)

Gene: EFL1 (elongation factor like GTPase 1; minus strand). Cytogenetic location: 15q25.2.
Variant type: single nucleotide variant.
Coding change: c.89A>G on transcript NM_024580.6 (MANE Select); coding-DNA position 89, A replaced by G.
Protein change: p.His30Arg; replaces histidine 30 with arginine.
Molecular consequence: missense variant. On other transcripts: non-coding transcript variant (1), 5 prime UTR variant (1).
Genome position (GRCh38, 1-based): chr15:82,261,690, T>C on the plus strand (A>G on the coding strand, the complement: EFL1 is on the minus strand). VCF-style: chr15-82261690-T-C. GRCh37 (hg19) VCF-style: chr15-82554031-T-C.
Other names: NM_024580.6(EFL1):c.89A>G; p.His30Arg; c.89A>G, p.His30Arg (NM_001040610.3, NM_001322845.2); c.-616A>G (NM_001322844.2); short protein forms H30R.
Identifiers: ClinVar variation 1686819 (VCV001686819.2), dbSNP rs370108445, ClinGen allele CA7698408.
Genomic context (GRCh38, chr15:82,261,690, plus strand): 5'-CATACAGAGACACATCTCCCTTATTTATCAAAATAAGCCATTTAAAAAGTATTCTTACCA[T>C]GGTCAACATGAGCCAAAACACAAATATTCCTGATGTTGGCAGTGTTTTTCTGGAGTTGAA-3'
Protein context (NP_078856.4, residues 20-40): RNICVLAHVD[His30Arg]GKTTLADCLI